The following is an entry in ClinVar:

NM_020366.4(RPGRIP1):c.1135G>A (p.Asp379Asn)

Gene: RPGRIP1 (RPGR interacting protein 1; plus strand). Cytogenetic location: 14q11.2.
Variant type: single nucleotide variant.
Coding change: c.1135G>A on transcript NM_020366.4 (MANE Select); coding-DNA position 1135, G replaced by A.
Protein change: p.Asp379Asn; replaces aspartic acid 379 with asparagine.
Molecular consequence: missense variant.
Genome position (GRCh38, 1-based): chr14:21,312,490, G>A. VCF-style: chr14-21312490-G-A. GRCh37 (hg19) VCF-style: chr14-21780649-G-A.
Other names: short protein forms D379N.
Identifiers: ClinVar variation 1393802 (VCV001393802.7), dbSNP rs758038121, ClinGen allele CA7088878.

ClinVar aggregate classification (germline): Uncertain significance (1 of 4 stars; one submission).

Conditions:
Cone-rod dystrophy 13 (CORD13). Identifiers: Orphanet 1872, MedGen C2750720, MONDO:0011987, OMIM 608194.
Leber congenital amaurosis 6 (LCA6). Identifiers: Orphanet 65, MedGen C1854260, MONDO:0013446, OMIM 613826.

Allele frequency attached by ClinVar (database versions not stated): gnomAD exomes below 0.00001; ExAC 0.00001; gnomAD 0.00001.
gnomAD v4.1: 3 of 1,610,640 alleles (0.00019%); highest among the groups gnomAD compares: East Asian, 0.0022%; no homozygotes.

Submission:

Labcorp Genetics (formerly Invitae), Labcorp
Classification: Uncertain significance for Leber congenital amaurosis 6; Cone-rod dystrophy 13. Last evaluated: 2025-03-17. Review status: criteria provided, single submitter. Criteria: Invitae Variant Classification Sherloc (09022015). Collection method: clinical testing. Allele origin: germline.
Comment: This sequence change replaces aspartic acid, which is acidic and polar, with asparagine, which is neutral and polar, at codon 379 of the RPGRIP1 protein (p.Asp379Asn). The frequency data for this variant in the population databases is considered unreliable, as metrics indicate poor data quality at this position in the gnomAD database. This variant has not been reported in the literature in individuals affected with RPGRIP1-related conditions. ClinVar contains an entry for this variant (Variation ID: 1393802). Invitae Evidence Modeling of protein sequence and biophysical properties (such as structural, functional, and spatial information, amino acid conservation, physicochemical variation, residue mobility, and thermodynamic stability) indicates that this missense variant is not expected to disrupt RPGRIP1 protein function with a negative predictive value of 80%. In summary, the available evidence is currently insufficient to determine the role of this variant in disease. Therefore, it has been classified as a Variant of Uncertain Significance.